The following is an entry in ClinVar:

ClinVar aggregate classification (germline): Uncertain significance. Review status: criteria provided, multiple submitters, no conflicts (2 of 4 stars). 2 submissions from 2 submitters: Uncertain significance (2). Last evaluated 2026-07-13.

Conditions:
Cognitive impairment - coarse facies - heart defects - obesity - pulmonary involvement - short stature - skeletal dysplasia syndrome. Also called: Chops syndrome; COGNITIVE IMPAIRMENT, COARSE FACIES, HEART DEFECTS, OBESITY, PULMONARY INVOLVEMENT, SHORT STATURE, AND SKELETAL DYSPLASIA; AFF4-Related CHOPS Syndrome. Identifiers: Orphanet 444077, MedGen C4085597, MONDO:0014609, OMIM 616368.
AFF4-related disorder. Also called: AFF4-related condition.

Allele frequency attached by ClinVar (database versions not stated): gnomAD 0.00001; TOPMed 0.00001; gnomAD exomes 0.00003.
gnomAD v4.1: 41 of 1,613,970 alleles (0.0025%); highest among the groups gnomAD compares: Non-Finnish European, 0.0035%; no homozygotes.

Submissions (2):

PreventionGenetics, part of Exact Sciences
Classification: Uncertain significance for AFF4-related condition. Last evaluated: 2026-07-13. Review status: criteria provided, single submitter. Criteria: ACMG Guidelines, 2015. Collection method: clinical testing. Allele origin: germline.
Comment: The AFF4 c.2606G>A variant is predicted to result in the amino acid substitution p.Gly869Glu. To our knowledge, this variant has not been reported in the literature in individuals with AFF4-related disorders. This variant is reported in 0.0026% of alleles in individuals of European (Non-Finnish) descent in gnomAD. At this time, the clinical significance of this variant is uncertain due to the absence of conclusive functional and genetic evidence.

Labcorp Genetics (formerly Invitae), Labcorp
Classification: Uncertain significance for Cognitive impairment - coarse facies - heart defects - obesity - pulmonary involvement - short stature - skeletal dysplasia syndrome. Last evaluated: 2021-12-22. Review status: criteria provided, single submitter. Criteria: Invitae Variant Classification Sherloc (09022015). Collection method: clinical testing. Allele origin: germline.
Comment: This sequence change replaces glycine, which is neutral and non-polar, with glutamic acid, which is acidic and polar, at codon 869 of the AFF4 protein (p.Gly869Glu). This variant is present in population databases (no rsID available, gnomAD 0.003%). This variant has not been reported in the literature in individuals affected with AFF4-related conditions. Algorithms developed to predict the effect of missense changes on protein structure and function (SIFT, PolyPhen-2, Align-GVGD) all suggest that this variant is likely to be tolerated. In summary, the available evidence is currently insufficient to determine the role of this variant in disease. Therefore, it has been classified as a Variant of Uncertain Significance.

NM_014423.4(AFF4):c.2606G>A (p.Gly869Glu)

Gene: AFF4 (ALF transcription elongation factor 4; minus strand). Cytogenetic location: 5q31.1.
Variant type: single nucleotide variant.
Coding change: c.2606G>A on transcript NM_014423.4 (MANE Select); coding-DNA position 2606, G replaced by A.
Protein change: p.Gly869Glu; replaces glycine 869 with glutamic acid.
Molecular consequence: missense variant.
Genome position (GRCh38, 1-based): chr5:132,892,195, C>T on the plus strand (G>A on the coding strand, the complement: AFF4 is on the minus strand). VCF-style: chr5-132892195-C-T. GRCh37 (hg19) VCF-style: chr5-132227887-C-T.
Other names: c.2606G>A (NM_014423.3); short protein forms G869E.
Identifiers: ClinVar variation 2046128 (VCV002046128.5), dbSNP rs1255383417, ClinGen allele CA360928423.